The following is an entry in ClinVar:

ClinVar aggregate classification (germline): Uncertain significance. Review status: criteria provided, multiple submitters, no conflicts (2 of 4 stars). 2 submissions from 2 submitters: Uncertain significance (2). Last evaluated 2025-03-10.

Conditions:
CHARGE syndrome (CHARGE). Also called: Hittner Hirsch Kreh syndrome; CHARGE ASSOCIATION--COLOBOMA, HEART ANOMALY, CHOANAL ATRESIA, RETARDATION, GENITAL AND EAR ANOMALIES; Coloboma, heart anomaly, choanal atresia, retardation, genital and ear anomalies; CHARGE association; Hall-Hittner syndrome. Identifiers: Orphanet 138, MedGen C0265354, MONDO:0008965.

gnomAD v4.1: 2 of 1,613,754 alleles (0.00012%); highest among the groups gnomAD compares: Non-Finnish European, 0.00017%; no homozygotes.

Submissions (2):

Labcorp Genetics (formerly Invitae), Labcorp
Classification: Uncertain significance for CHARGE syndrome. Last evaluated: 2025-03-10. Review status: criteria provided, single submitter. Criteria: Invitae Variant Classification Sherloc (09022015). Collection method: clinical testing. Allele origin: germline.
Comment: This sequence change replaces alanine, which is neutral and non-polar, with valine, which is neutral and non-polar, at codon 950 of the CHD7 protein (p.Ala950Val). This variant is not present in population databases (gnomAD no frequency). This variant has not been reported in the literature in individuals affected with CHD7-related conditions. ClinVar contains an entry for this variant (Variation ID: 2905178). Invitae Evidence Modeling of protein sequence and biophysical properties (such as structural, functional, and spatial information, amino acid conservation, physicochemical variation, residue mobility, and thermodynamic stability) has been performed for this missense variant. However, the output from this modeling did not meet the statistical confidence thresholds required to predict the impact of this variant on CHD7 protein function. In summary, the available evidence is currently insufficient to determine the role of this variant in disease. Therefore, it has been classified as a Variant of Uncertain Significance.

Blueprint Genetics
Classification: Uncertain significance. Last evaluated: 2024-09-12. Review status: criteria provided, single submitter. Criteria: ACMG Guidelines, 2015. Collection method: clinical testing. Allele origin: germline.

NM_017780.4(CHD7):c.2849C>T (p.Ala950Val)

Gene: CHD7 (chromodomain helicase DNA binding protein 7; plus strand). Cytogenetic location: 8q12.2.
Variant type: single nucleotide variant.
Coding change: c.2849C>T on transcript NM_017780.4 (MANE Select); coding-DNA position 2849, C replaced by T.
Protein change: p.Ala950Val; replaces alanine 950 with valine.
Molecular consequence: missense variant. On other transcripts: intron variant (1).
Genome position (GRCh38, 1-based): chr8:60,822,037, C>T. VCF-style: chr8-60822037-C-T. GRCh37 (hg19) VCF-style: chr8-61734596-C-T.
Other names: c.1717-40192C>T (NM_001316690.1); short protein forms A950V.
Identifiers: ClinVar variation 2905178 (VCV002905178.4), dbSNP rs2487806970, ClinGen allele CA371308131.